The following is an entry in ClinVar:

ClinVar aggregate classification (germline): Uncertain significance (1 of 4 stars; one submission).

Conditions:
Combined oxidative phosphorylation defect type 14. Also called: Combined oxidative phosphorylation deficiency 14. Identifiers: Orphanet 319519, MedGen C4755312, MONDO:0013986, OMIM 614946.

gnomAD v4.1: 4 of 1,613,994 alleles (0.00025%); highest among the groups gnomAD compares: Non-Finnish European, 0.00017%; no homozygotes.

Submission:

Labcorp Genetics (formerly Invitae), Labcorp
Classification: Uncertain significance for Combined oxidative phosphorylation defect type 14. Last evaluated: 2025-09-10. Review status: criteria provided, single submitter. Criteria: Invitae Variant Classification Sherloc (09022015). Collection method: clinical testing. Allele origin: germline.
Comment: This sequence change replaces valine, which is neutral and non-polar, with isoleucine, which is neutral and non-polar, at codon 14 of the FARS2 protein (p.Val14Ile). This variant is not present in population databases (gnomAD no frequency). This variant has not been reported in the literature in individuals affected with FARS2-related conditions. Invitae Evidence Modeling of protein sequence and biophysical properties (such as structural, functional, and spatial information, amino acid conservation, physicochemical variation, residue mobility, and thermodynamic stability) indicates that this missense variant is not expected to disrupt FARS2 protein function with a negative predictive value of 80%. In summary, the available evidence is currently insufficient to determine the role of this variant in disease. Therefore, it has been classified as a Variant of Uncertain Significance.

NM_006567.5(FARS2):c.40G>A (p.Val14Ile)

Genes: FARS2 (phenylalanyl-tRNA synthetase 2, mitochondrial; plus strand), LOC126859565 (CDK7 strongly-dependent group 2 enhancer GRCh37_chr6:5368745-5369944; plus strand). Cytogenetic location: 6p25.1.
Variant type: single nucleotide variant.
Coding change: c.40G>A on transcript NM_006567.5 (MANE Select); coding-DNA position 40, G replaced by A.
Protein change: p.Val14Ile; replaces valine 14 with isoleucine.
Molecular consequence: missense variant. On other transcripts: intron variant (2).
Genome position (GRCh38, 1-based): chr6:5,368,610, G>A. VCF-style: chr6-5368610-G-A. GRCh37 (hg19) VCF-style: chr6-5368843-G-A.
Other names: c.40G>A, p.Val14Ile (NM_001318872.2, NM_001374875.1, NM_001374876.1 and 5 more transcripts); c.-340-28023G>A (NM_001375260.1); c.-84-35932G>A (NM_001375259.1); short protein forms V14I.
Identifiers: ClinVar variation 4801303 (VCV004801303.1).
Genomic context (GRCh38, chr6:5,368,610, plus strand): 5'-AACCTGTGAGAAGTTTCTACAATGGTGGGCTCAGCTCTCAGGAGAGGTGCCCATGCATAT[G>A]TCTACCTGGTGAGTAAGGCCAGTCACATCTCCAGAGGCCATCAGCACCAGGCCTGGGGAT-3'
Protein context (NP_006558.1, residues 4-24): SALRRGAHAY[Val14Ile]YLVSKASHIS